The following is an entry in ClinVar:

ClinVar aggregate classification (germline): Likely benign (1 of 4 stars; one submission).

Submission:

Women's Health and Genetics/Laboratory Corporation of America, LabCorp
Classification: Likely benign. Last evaluated: 2026-01-22. Review status: criteria provided, single submitter. Criteria: LabCorp Variant Classification Summary - May 2015. Collection method: clinical testing. Allele origin: germline.
Comment: Variant summary: CYBB c.484-27_484-14del14 alters a nucleotide located at a position not widely known to affect splicing. Consensus agreement among computation tools predict no significant impact on normal splicing. However, these predictions have yet to be confirmed by functional studies. The variant was absent in 116750 control chromosomes. The available data on variant occurrences in the general population are insufficient to allow any conclusion about variant significance. To our knowledge, no occurrence of c.484-27_484-14del14 in individuals affected with CYBB-related conditions and no experimental evidence demonstrating its impact on protein function have been reported. No submitters have cited clinical-significance assessments for this variant to ClinVar. Based on the evidence outlined above, the variant was classified as likely benign.

NM_000397.4(CYBB):c.484-60TG[16]

Gene: CYBB (cytochrome b-245 beta chain; plus strand). Cytogenetic location: Xp21.1.
Variant type: Microsatellite.
Coding change: c.484-60TG[16] on transcript NM_000397.4 (MANE Select); 16 copies in a row of the 2-base unit TG starting at c.484-60.
Molecular consequence: intron variant.
Genome position: GRCh38 VCF-style: chrX-37795890-ATGTGTGTGTGTGTG-A. GRCh37 (hg19) VCF-style: chrX-37655143-ATGTGTGTGTGTGTG-A.
Other names: c.484-27_484-14del14 (NM_000397.4).
Identifiers: ClinVar variation 4689104 (VCV004689104.1).